The following is an entry in ClinVar:

ClinVar aggregate classification (germline): Uncertain significance. Review status: criteria provided, multiple submitters, no conflicts (2 of 4 stars). 3 submissions from 3 submitters: Uncertain significance (3). Last evaluated 2025-08-27.

Conditions:
Inborn genetic diseases. Identifiers: MedGen C0950123, MeSH D030342.
DNA ligase IV deficiency. Identifiers: Orphanet 99812, MedGen C1847827, MONDO:0011686, OMIM 606593.

Allele frequency attached by ClinVar (database versions not stated): gnomAD below 0.00001 and 0.00001; ExAC 0.00009.
gnomAD v4.1: 82 of 1,613,728 alleles (0.0051%); highest among the groups gnomAD compares: South Asian, 0.06%; 1 homozygote.

Submissions (3):

Ambry Genetics
Classification: Uncertain significance for Inborn genetic diseases. Last evaluated: 2025-08-27. Review status: criteria provided, single submitter. Criteria: Ambry Variant Classification Scheme 2023. Collection method: clinical testing. Allele origin: germline.

Labcorp Genetics (formerly Invitae), Labcorp
Classification: Uncertain significance for DNA ligase IV deficiency. Last evaluated: 2022-07-11. Review status: criteria provided, single submitter. Criteria: Invitae Variant Classification Sherloc (09022015). Collection method: clinical testing. Allele origin: germline.
Comment: This sequence change replaces glycine, which is neutral and non-polar, with alanine, which is neutral and non-polar, at codon 197 of the LIG4 protein (p.Gly197Ala). This variant is present in population databases (rs779944478, gnomAD 0.08%), including at least one homozygous and/or hemizygous individual. This variant has not been reported in the literature in individuals affected with LIG4-related conditions. ClinVar contains an entry for this variant (Variation ID: 574546). Algorithms developed to predict the effect of missense changes on protein structure and function (SIFT, PolyPhen-2, Align-GVGD) all suggest that this variant is likely to be disruptive. In summary, the available evidence is currently insufficient to determine the role of this variant in disease. Therefore, it has been classified as a Variant of Uncertain Significance.

Institute of Human Genetics, University of Leipzig Medical Center
Classification: Uncertain significance for DNA ligase IV deficiency. Last evaluated: 2019-01-01. Review status: criteria provided, single submitter. Criteria: ACMG Guidelines, 2015. Collection method: clinical testing. Allele origin: unknown. Affected: yes.
Comment: This variant was identified as compound heterozygous.

NM_206937.2(LIG4):c.590G>C (p.Gly197Ala)

Gene: LIG4 (DNA ligase 4; minus strand). Cytogenetic location: 13q33.3.
Variant type: single nucleotide variant.
Coding change: c.590G>C on transcript NM_206937.2 (MANE Select); coding-DNA position 590, G replaced by C.
Protein change: p.Gly197Ala; replaces glycine 197 with alanine.
Molecular consequence: missense variant.
Genome position (GRCh38, 1-based): chr13:108,210,679, C>G on the plus strand (G>C on the coding strand, the complement: LIG4 is on the minus strand). VCF-style: chr13-108210679-C-G. GRCh37 (hg19) VCF-style: chr13-108863027-C-G.
Other names: c.590G>C, p.Gly197Ala (NM_001098268.2, NM_001352598.2, NM_001352599.2 and 6 more transcripts); c.389G>C, p.Gly130Ala (NM_001330595.2); c.626G>C, p.Gly209Ala (NM_001352604.2); short protein forms G197A, G130A, G209A.
Identifiers: ClinVar variation 574546 (VCV000574546.7), dbSNP rs779944478, ClinGen allele CA7043823.
Genomic context (GRCh38, chr13:108,210,679, plus strand): 5'-ACATTATGCAACTCAGCAGCATCATTATGAAAAACAGAAAAGATAGTTTGCTGACTAACA[C>G]CAAGCTTTAAATCCTTTATGATCATCCGTATAAGCCACTTTTGCTCAAGTGCTGAACTCT-3'
Protein context (NP_996820.1, residues 187-207): IRMIIKDLKL[Gly197Ala]VSQQTIFSVF